The following is an entry in ClinVar:

ClinVar aggregate classification (germline): Uncertain significance. Review status: criteria provided, multiple submitters, no conflicts (2 of 4 stars). 2 submissions from 2 submitters: Uncertain significance (2). Last evaluated 2025-10-07.

Conditions:
Familial cancer of breast. Also called: hereditary breast carcinoma; BREAST CANCER, FAMILIAL; Hereditary breast cancer. Identifiers: Orphanet 227535, MedGen C0346153, MONDO:0016419, OMIM 114480. Disease mechanism: loss of function.
Fanconi anemia complementation group J. Also called: BRIP1-Related Fanconi Anemia. Identifiers: Orphanet 84, MedGen C1836860, MONDO:0012187, OMIM 609054.
Hereditary cancer-predisposing syndrome. Also called: Tumor predisposition; Hereditary Cancer Syndrome; Neoplastic Syndromes, Hereditary; Hereditary neoplastic syndrome. Identifiers: Orphanet 140162, MedGen C0027672, MeSH D009386, MONDO:0015356.

Submissions (2):

Ambry Genetics
Classification: Uncertain significance for Hereditary cancer-predisposing syndrome. Last evaluated: 2025-10-07. Review status: criteria provided, single submitter. Criteria: Ambry Variant Classification Scheme 2023. Collection method: clinical testing. Allele origin: germline.
Comment: The p.L612S variant (also known as c.1835T>C), located in coding exon 12 of the BRIP1 gene, results from a T to C substitution at nucleotide position 1835. The leucine at codon 612 is replaced by serine, an amino acid with dissimilar properties. This amino acid position is conserved. In addition, this alteration is predicted to be deleterious by in silico analysis. Based on the available evidence, the clinical significance of this variant remains unclear.

Labcorp Genetics (formerly Invitae), Labcorp
Classification: Uncertain significance for Familial cancer of breast; Fanconi anemia complementation group J. Last evaluated: 2024-10-16. Review status: criteria provided, single submitter. Criteria: Invitae Variant Classification Sherloc (09022015). Collection method: clinical testing. Allele origin: germline.
Comment: This sequence change replaces leucine, which is neutral and non-polar, with serine, which is neutral and polar, at codon 612 of the BRIP1 protein (p.Leu612Ser). This variant is not present in population databases (gnomAD no frequency). This variant has not been reported in the literature in individuals affected with BRIP1-related conditions. ClinVar contains an entry for this variant (Variation ID: 1019295). Invitae Evidence Modeling of protein sequence and biophysical properties (such as structural, functional, and spatial information, amino acid conservation, physicochemical variation, residue mobility, and thermodynamic stability) indicates that this missense variant is expected to disrupt BRIP1 protein function with a positive predictive value of 95%. In summary, the available evidence is currently insufficient to determine the role of this variant in disease. Therefore, it has been classified as a Variant of Uncertain Significance.

NM_032043.3(BRIP1):c.1835T>C (p.Leu612Ser)

Gene: BRIP1 (BRCA1 interacting DNA helicase 1; minus strand). Cytogenetic location: 17q23.2.
Variant type: single nucleotide variant.
Coding change: c.1835T>C on transcript NM_032043.3 (MANE Select); coding-DNA position 1835, T replaced by C.
Protein change: p.Leu612Ser; replaces leucine 612 with serine.
Molecular consequence: missense variant.
Genome position (GRCh38, 1-based): chr17:61,780,361, A>G on the plus strand (T>C on the coding strand, the complement: BRIP1 is on the minus strand). VCF-style: chr17-61780361-A-G. GRCh37 (hg19) VCF-style: chr17-59857722-A-G.
Other names: c.1835T>C (NM_032043.2); short protein forms L612S.
Identifiers: ClinVar variation 1019295 (VCV001019295.10), dbSNP rs2077597358, ClinGen allele CA400480148.